The following is an entry in ClinVar:

ClinVar aggregate classification (germline): Uncertain significance. Review status: criteria provided, multiple submitters, no conflicts (2 of 4 stars). 2 submissions from 2 submitters: Uncertain significance (2). Last evaluated 2025-03-30.

Conditions:
Multiple mitochondrial dysfunctions syndrome 3 (MMDS3). Identifiers: Orphanet 363424, MedGen C3809165, MONDO:0014132, OMIM 615330.
Hereditary spastic paraplegia 74. Also called: Spastic paraplegia 74, autosomal recessive. Identifiers: Orphanet 468661, MedGen C5568837, MONDO:0014644, OMIM 616451.

Allele frequency attached by ClinVar (database versions not stated): TOPMed 0.00003; gnomAD exomes 0.00007; ExAC 0.00021; gnomAD 0.00004; 1000 Genomes Project 30x 0.00016; 1000 Genomes Project 0.00040.
gnomAD v4.1: 19 of 1,475,518 alleles (0.0013%); highest among the groups gnomAD compares: East Asian, 0.046%; no homozygotes.

Submissions (2):

GeneDx
Classification: Uncertain significance. Last evaluated: 2025-03-30. Review status: criteria provided, single submitter. Criteria: GeneDx Variant Classification Process June 2021. Collection method: clinical testing. Allele origin: germline. Affected: yes.
Comment: In silico analysis supports a deleterious effect on splicing; Has not been previously published as pathogenic or benign to our knowledge

Labcorp Genetics (formerly Invitae), Labcorp
Classification: Uncertain significance for Multiple mitochondrial dysfunctions syndrome 3; Hereditary spastic paraplegia 74. Last evaluated: 2022-05-20. Review status: criteria provided, single submitter. Criteria: Invitae Variant Classification Sherloc (09022015). Collection method: clinical testing. Allele origin: germline.
Comment: This sequence change falls in intron 1 of the IBA57 gene. It does not directly change the encoded amino acid sequence of the IBA57 protein. It affects a nucleotide within the consensus splice site. This variant is present in population databases (rs536036624, gnomAD 0.1%). This variant has not been reported in the literature in individuals affected with IBA57-related conditions. ClinVar contains an entry for this variant (Variation ID: 1008432). Variants that disrupt the consensus splice site are a relatively common cause of aberrant splicing (PMID: 17576681, 9536098). Algorithms developed to predict the effect of sequence changes on RNA splicing suggest that this variant may create or strengthen a splice site. In summary, the available evidence is currently insufficient to determine the role of this variant in disease. Therefore, it has been classified as a Variant of Uncertain Significance.

Literature cited by the submitters: PubMed 17576681 (cited by Labcorp Genetics (formerly Invitae), Labcorp); PubMed 9536098 (cited by Labcorp Genetics (formerly Invitae), Labcorp).

NM_001010867.4(IBA57):c.341+4A>G

Gene: IBA57 (iron-sulfur cluster assembly factor IBA57; plus strand). Cytogenetic location: 1q42.13.
Variant type: single nucleotide variant.
Coding change: c.341+4A>G on transcript NM_001010867.4 (MANE Select); 4 bases into the intron after coding-DNA position 341, A replaced by G.
Molecular consequence: intron variant.
Genome position (GRCh38, 1-based): chr1:228,166,161, A>G. VCF-style: chr1-228166161-A-G. GRCh37 (hg19) VCF-style: chr1-228353862-A-G.
Identifiers: ClinVar variation 1008432 (VCV001008432.6), dbSNP rs536036624, ClinGen allele CA1431109.